The following is an entry in ClinVar:

NM_001018005.2(TPM1):c.641A>G (p.Tyr214Cys)

Gene: TPM1 (tropomyosin 1; plus strand). Cytogenetic location: 15q22.2.
Variant type: single nucleotide variant.
Coding change: c.641A>G on transcript NM_001018005.2 (MANE Select); coding-DNA position 641, A replaced by G.
Protein change: p.Tyr214Cys; replaces tyrosine 214 with cysteine.
Molecular consequence: missense variant. On other transcripts: non-coding transcript variant (17).
Genome position (GRCh38, 1-based): chr15:63,062,216, A>G. VCF-style: chr15-63062216-A-G. GRCh37 (hg19) VCF-style: chr15-63354415-A-G.
Other names: c.641A>G, p.Tyr214Cys (NM_000366.6, NM_001018004.2, NM_001018006.2 and 20 more transcripts); c.533A>G, p.Tyr178Cys (NM_001018008.2, NM_001301289.2, NM_001330344.2 and 9 more transcripts); c.767A>G, p.Tyr256Cys (NM_001365778.1, NM_001407322.1, NM_001407323.1 and 1 more transcripts); short protein forms Y256C, Y178C, Y214C.
Identifiers: ClinVar variation 3972628 (VCV003972628.1).

ClinVar aggregate classification (germline): Uncertain significance (1 of 4 stars; one submission).

Conditions:
Cardiovascular phenotype. Identifiers: MedGen CN230736.

Submission:

Ambry Genetics
Classification: Uncertain significance for Cardiovascular phenotype. Last evaluated: 2025-03-23. Review status: criteria provided, single submitter. Criteria: Ambry Variant Classification Scheme 2023. Collection method: clinical testing. Allele origin: germline.
Comment: The p.Y214C variant (also known as c.641A>G), located in coding exon 7 of the TPM1 gene, results from an A to G substitution at nucleotide position 641. The tyrosine at codon 214 is replaced by cysteine, an amino acid with highly dissimilar properties. This amino acid position is conserved. In addition, this alteration is predicted to be deleterious by in silico analysis. Based on the available evidence, the clinical significance of this variant remains unclear.